The following is an entry in ClinVar:

ClinVar aggregate classification (germline): Uncertain significance. Review status: criteria provided, multiple submitters, no conflicts (2 of 4 stars). 8 submissions from 8 submitters: Uncertain significance (6). 2 of the submissions do not count toward it. Last evaluated 2026-01-18.

Conditions:
Cardiovascular phenotype. Identifiers: MedGen CN230736.
Hypertrophic cardiomyopathy 15. Identifiers: MedGen C2750459, MONDO:0013200, OMIM 613255.
Dilated cardiomyopathy 1W (CMD1W). Identifiers: Orphanet 154, MedGen C1969639, MONDO:0012667, OMIM 611407.

Allele frequency attached by ClinVar (database versions not stated): ExAC 0.00001; gnomAD exomes 0.00001; TOPMed 0.00002.
gnomAD v4.1: 11 of 1,614,158 alleles (0.00068%); highest among the groups gnomAD compares: Middle Eastern, 0.05%; no homozygotes.

Submissions (8):

Labcorp Genetics (formerly Invitae), Labcorp
Classification: Uncertain significance for Dilated cardiomyopathy 1W. Last evaluated: 2026-01-18. Review status: criteria provided, single submitter. Criteria: Invitae Variant Classification Sherloc (09022015). Collection method: clinical testing. Allele origin: germline.
Comment: This sequence change replaces arginine, which is basic and polar, with histidine, which is basic and polar, at codon 433 of the VCL protein (p.Arg433His). This variant is present in population databases (rs754046223, gnomAD 0.003%). This missense change has been observed in individual(s) with hypertrophic cardiomyopathy (PMID: 30847666). ClinVar contains an entry for this variant (Variation ID: 202158). An algorithm developed to predict the effect of missense changes on protein structure and function (PolyPhen-2) suggests that this variant is likely to be disruptive. In summary, the available evidence is currently insufficient to determine the role of this variant in disease. Therefore, it has been classified as a Variant of Uncertain Significance.

Ambry Genetics
Classification: Uncertain significance for Cardiovascular phenotype. Last evaluated: 2026-01-09. Review status: criteria provided, single submitter. Criteria: Ambry Variant Classification Scheme 2023. Collection method: clinical testing. Allele origin: germline.
Comment: The p.R433H variant (also known as c.1298G>A), located in coding exon 10 of the VCL gene, results from a G to A substitution at nucleotide position 1298. The arginine at codon 433 is replaced by histidine, an amino acid with highly similar properties. This amino acid position is highly conserved in available vertebrate species. In addition, the in silico prediction for this alteration is inconclusive. Based on the available evidence, the clinical significance of this variant remains unclear.

Blueprint Genetics
Classification: Uncertain significance. Last evaluated: 2024-06-14. Review status: criteria provided, single submitter. Criteria: ACMG Guidelines, 2015. Collection method: clinical testing. Allele origin: germline.

Fulgent Genetics
Classification: Uncertain significance for Dilated cardiomyopathy 1W; Hypertrophic cardiomyopathy 15. Last evaluated: 2021-08-19. Review status: criteria provided, single submitter. Criteria: ACMG Guidelines, 2015. Collection method: clinical testing. Allele origin: unknown.

Mayo Clinic Laboratories, Mayo Clinic
Classification: Uncertain significance. Last evaluated: 2020-08-25. Review status: criteria provided, single submitter. Criteria: ACMG Guidelines, 2015. Collection method: clinical testing. Allele origin: germline. Observed: 1 variant allele.

GeneDx
Classification: Uncertain significance. Last evaluated: 2019-09-11. Review status: criteria provided, single submitter. Criteria: GeneDx Variant Classification Process June 2021. Collection method: clinical testing. Allele origin: germline. Affected: yes.
Comment: Has not been previously published as pathogenic or benign to our knowledge; Not observed at a significant frequency in large population cohorts (Lek et al., 2016); Reported in ClinVar as a variant of uncertain significance (ClinVar Variant ID# 202158; Landrum et al., 2016); In silico analysis, which includes protein predictors and evolutionary conservation, supports that this variant does not alter protein structure/function; This variant is associated with the following publications: (PMID: 30847666)

Clinical Genetics, Academic Medical Center
Classification: Uncertain significance. Review status: no assertion criteria provided. Collection method: clinical testing. Allele origin: germline. Affected: yes. Study: VKGL Data-share Consensus. Not counted in ClinVar's aggregate classification.

Genome Diagnostics Laboratory, University Medical Center Utrecht
Classification: Uncertain significance. Review status: no assertion criteria provided. Collection method: clinical testing. Allele origin: germline. Affected: yes. Study: VKGL Data-share Consensus. Not counted in ClinVar's aggregate classification.

Literature cited by the submitters: PubMed 30847666 (cited by Labcorp Genetics (formerly Invitae), Labcorp).

NM_014000.3(VCL):c.1298G>A (p.Arg433His)

Gene: VCL (vinculin; plus strand). Cytogenetic location: 10q22.2.
Variant type: single nucleotide variant.
Coding change: c.1298G>A on transcript NM_014000.3 (MANE Select); coding-DNA position 1298, G replaced by A.
Protein change: p.Arg433His; replaces arginine 433 with histidine.
Molecular consequence: missense variant.
Genome position (GRCh38, 1-based): chr10:74,090,144, G>A. VCF-style: chr10-74090144-G-A. GRCh37 (hg19) VCF-style: chr10-75849902-G-A.
Other names: p.R433H:CGT>CAT; c.1298G>A, p.Arg433His (NM_003373.4); short protein forms R433H.
Identifiers: ClinVar variation 202158 (VCV000202158.22), dbSNP rs754046223, ClinGen allele CA335628.